The following is an entry in ClinVar:

NM_198578.4(LRRK2):c.5657G>T (p.Gly1886Val)

Gene: LRRK2 (leucine rich repeat kinase 2; plus strand). Cytogenetic location: 12q12.
Variant type: single nucleotide variant.
Coding change: c.5657G>T on transcript NM_198578.4 (MANE Select); coding-DNA position 5657, G replaced by T.
Protein change: p.Gly1886Val; replaces glycine 1886 with valine.
Molecular consequence: missense variant.
Genome position (GRCh38, 1-based): chr12:40,328,360, G>T. VCF-style: chr12-40328360-G-T. GRCh37 (hg19) VCF-style: chr12-40722162-G-T.
Other names: short protein forms G1886V.
Identifiers: ClinVar variation 3291911 (VCV003291911.1).

ClinVar aggregate classification (germline): Uncertain significance (1 of 4 stars; one submission).

Conditions:
Inborn genetic diseases. Identifiers: MedGen C0950123, MeSH D030342.

Submission:

Ambry Genetics
Classification: Uncertain significance for Inborn genetic diseases. Last evaluated: 2024-04-29. Review status: criteria provided, single submitter. Criteria: Ambry Variant Classification Scheme 2023. Collection method: clinical testing. Allele origin: germline.
Comment: The p.G1886V variant (also known as c.5657G>T) is located in coding exon 39 of the LRRK2 gene. The glycine at codon 1886 is replaced by valine, an amino acid with dissimilar properties. This change occurs in the first base pair of coding exon 39. This amino acid position is conserved. In addition, this alteration is predicted to be deleterious by in silico analysis. Based on the available evidence, the clinical significance of this variant remains unclear.